The following is an entry in ClinVar:

ClinVar aggregate classification (germline): Pathogenic (1 of 4 stars; one submission).

Allele frequency attached by ClinVar (database versions not stated): ExAC 0.00001.

Submission:

Labcorp Genetics (formerly Invitae), Labcorp
Classification: Pathogenic. Last evaluated: 2022-12-12. Review status: criteria provided, single submitter. Criteria: Invitae Variant Classification Sherloc (09022015). Collection method: clinical testing. Allele origin: germline.
Comment: This variant has not been reported in the literature in individuals affected with PIK3C2A-related conditions. For these reasons, this variant has been classified as Pathogenic. This variant is present in population databases (rs771880080, gnomAD 0.0009%). This sequence change creates a premature translational stop signal (p.Glu263Glyfs*4) in the PIK3C2A gene. It is expected to result in an absent or disrupted protein product. Loss-of-function variants in PIK3C2A are known to be pathogenic (PMID: 31034465).

Literature cited by the submitters: PubMed 31034465.

NM_002645.4(PIK3C2A):c.786_787del (p.Glu263fs)

Gene: PIK3C2A (phosphatidylinositol-4-phosphate 3-kinase catalytic subunit type 2 alpha; minus strand). Cytogenetic location: 11p15.1.
Variant type: Deletion.
Coding change: c.786_787del on transcript NM_002645.4 (MANE Select); coding-DNA positions 786 to 787, 2 bases deleted (TG; older notation c.786_787delTG).
Protein change: p.Glu263fs; shifts the reading frame from glutamic acid 263.
Molecular consequence: frameshift variant. On other transcripts: intron variant (1).
Genome position (GRCh38, 1-based): chr11:17,168,955-17,168,956, CA deleted on the plus strand (TG on the coding strand, the reverse complement: PIK3C2A is on the minus strand). VCF-style (leftmost placement, unchanged base first): chr11-17168954-TCA-T. GRCh37 (hg19) VCF-style: chr11-17190501-TCA-T.
Other names: c.786_787del, p.Glu263fs (NM_001321378.2, NM_001386870.1); c.-75-13327_-75-13326del (NM_001321380.2); short protein forms E263fs.
Identifiers: ClinVar variation 2788291 (VCV002788291.3), dbSNP rs771880080, ClinGen allele CA5901509.